The following is an entry in ClinVar:

ClinVar aggregate classification (germline): Likely benign. Review status: criteria provided, multiple submitters, no conflicts (2 of 4 stars). 2 submissions from 2 submitters: Likely benign (2). Last evaluated 2025-05-13.

Conditions:
Tuberous sclerosis 2 (TSC2). Identifiers: Orphanet 805, MedGen C1860707, MONDO:0013199, OMIM 613254.

gnomAD v4.1: 1 of 1,599,620 alleles (0.000063%); highest among the groups gnomAD compares: African/African-American, 0.0013%; no homozygotes.

Submissions (2):

Myriad Genetics, Inc.
Classification: Likely benign for Tuberous sclerosis 2. Last evaluated: 2025-05-13. Review status: criteria provided, single submitter. Criteria: Myriad Autosomal Dominant, Autosomal Recessive and X-Linked Classification Criteria (2023). Collection method: clinical testing. Allele origin: unknown.
Comment: This variant is considered likely benign. This variant is intronic and is not expected to impact mRNA splicing.

Labcorp Genetics (formerly Invitae), Labcorp
Classification: Likely benign for Tuberous sclerosis 2. Last evaluated: 2021-11-23. Review status: criteria provided, single submitter. Criteria: Invitae Variant Classification Sherloc (09022015). Collection method: clinical testing. Allele origin: germline.

NM_000548.5(TSC2):c.1258-17G>C

Gene: TSC2 (TSC complex subunit 2; plus strand). Cytogenetic location: 16p13.3.
Variant type: single nucleotide variant.
Coding change: c.1258-17G>C on transcript NM_000548.5 (MANE Select); 17 bases into the intron before coding-DNA position 1258, G replaced by C.
Molecular consequence: intron variant.
Genome position (GRCh38, 1-based): chr16:2,062,480, G>C. VCF-style: chr16-2062480-G-C. GRCh37 (hg19) VCF-style: chr16-2112481-G-C.
Other names: c.1258-17G>C (NM_001370405.1, NM_001363528.2, NM_001370404.1 and 3 more transcripts); c.1147-17G>C (NM_001318827.2); c.658-17G>C (NM_001318831.2); c.1111-17G>C (NM_001318829.2); c.1291-17G>C (NM_001318832.2).
Identifiers: ClinVar variation 2129347 (VCV002129347.5), dbSNP rs752327718, ClinGen allele CA2201987631.
Genomic context (GRCh38, chr16:2,062,480, plus strand): 5'-CTCTCGACCAGCAGCCCAGTGTGGAGAAGGAGAGCGCCGGAGGGGCAGAGGGGCAACACC[G>C]GCTCTTCTTTTGACAGGAGTCCTCCCTCCTGAACCTGATCTCCTATAGAGCGCAGTCCAT-3'